The following is an entry in ClinVar:

ClinVar aggregate classification (germline): Likely benign. Review status: criteria provided, single submitter (1 of 4 stars). 2 submissions from 2 submitters: Likely benign (1). 1 of the submissions does not count toward it. Last evaluated 2026-01-08.

Conditions:
KATNB1-related disorder. Also called: KATNB1-related condition.

Allele frequency attached by ClinVar (database versions not stated): gnomAD 0.00001; gnomAD exomes 0.00002; TOPMed 0.00002.

Submissions (2):

Labcorp Genetics (formerly Invitae), Labcorp
Classification: Likely benign. Last evaluated: 2026-01-08. Review status: criteria provided, single submitter. Criteria: Invitae Variant Classification Sherloc (09022015). Collection method: clinical testing. Allele origin: germline.

PreventionGenetics, part of Exact Sciences
Classification: Likely benign for KATNB1-related condition. Last evaluated: 2021-02-22. Review status: no assertion criteria provided. Collection method: clinical testing. Allele origin: germline. Not counted in ClinVar's aggregate classification.
Comment: This variant is classified as likely benign based on ACMG/AMP sequence variant interpretation guidelines (Richards et al. 2015 PMID: 25741868, with internal and published modifications).

NM_005886.3(KATNB1):c.1356T>C (p.Pro452=)

Gene: KATNB1 (katanin regulatory subunit B1; plus strand). Cytogenetic location: 16q21.
Variant type: single nucleotide variant.
Coding change: c.1356T>C on transcript NM_005886.3 (MANE Select); coding-DNA position 1356, T replaced by C.
Protein change: p.Pro452=; no amino-acid change (proline 452 retained).
Molecular consequence: synonymous variant.
Genome position (GRCh38, 1-based): chr16:57,755,178, T>C. VCF-style: chr16-57755178-T-C. GRCh37 (hg19) VCF-style: chr16-57789090-T-C.
Identifiers: ClinVar variation 3029873 (VCV003029873.3), dbSNP rs1243257992, ClinGen allele CA495792658.
Genomic context (GRCh38, chr16:57,755,178, plus strand): 5'-GCTGGAGGTCCTGCCCCGGCCCCCAGTGGTTGCTTCCACACCTGCACCCAAGGCTGAGCC[T>C]GCCATCATCCCTGCCACCCGGAACGAGCCCATCGGGCTGAAGGCCTCCGACTTCCTGCCC-3'
Protein context (NP_005877.2, residues 442-462): VASTPAPKAE[Pro452=]AIIPATRNEP